The following is an entry in ClinVar:

ClinVar aggregate classification (germline): Likely pathogenic (1 of 4 stars; one submission).

Conditions:
Majeed syndrome (MJDS). Also called: LPIN2-Related Majeed Syndrome; CHRONIC RECURRENT MULTIFOCAL OSTEOMYELITIS 1, WITH CONGENITAL DYSERYTHROPOIETIC ANEMIA, WITH OR WITHOUT NEUTROPHILIC DERMATOSIS. Identifiers: Orphanet 77297, MedGen C1864997, MONDO:0012316, OMIM 609628.

Submission:

Labcorp Genetics (formerly Invitae), Labcorp
Classification: Likely pathogenic for Majeed syndrome. Last evaluated: 2025-05-14. Review status: criteria provided, single submitter. Criteria: Invitae Variant Classification Sherloc (09022015). Collection method: clinical testing. Allele origin: germline.
Comment: This variant results in the deletion of part of exon 14 (c.1794-2_1821del) of the LPIN2 gene. It is expected to disrupt RNA splicing. Variants that disrupt the donor or acceptor splice site typically lead to a loss of protein function (PMID: 16199547), and loss-of-function variants in LPIN2 are known to be pathogenic (PMID: 15994876, 23087183). This variant is not present in population databases (gnomAD no frequency). This variant has not been reported in the literature in individuals affected with LPIN2-related conditions. In summary, the currently available evidence indicates that the variant is pathogenic, but additional data are needed to prove that conclusively. Therefore, this variant has been classified as Likely Pathogenic.

Literature cited by the submitters: PubMed 16199547; PubMed 15994876; PubMed 23087183.

NM_001375808.2(LPIN2):c.1794-2_1821del

Gene: LPIN2 (lipin 2; minus strand). Cytogenetic location: 18p11.31.
Variant type: Deletion.
Coding change: c.1794-2_1821del on transcript NM_001375808.2 (MANE Select); the canonical splice acceptor site of the intron before coding-DNA position 1794 through coding-DNA position 1821, 30 bases deleted (AGGCCGGCCGAGAATGACTCCTCGAGTGAC).
Molecular consequence: splice acceptor variant.
Genome position (GRCh38, 1-based): chr18:2,925,341-2,925,370, GTCACTCGAGGAGTCATTCTCGGCCGGCCT deleted on the plus strand (AGGCCGGCCGAGAATGACTCCTCGAGTGAC on the coding strand, the reverse complement: LPIN2 is on the minus strand); deleting any 30 consecutive bases within chr18:2,925,341-2,925,372 gives the same sequence; the c. name uses the placement nearest the transcript's 3' end. VCF-style (leftmost placement, unchanged base first): chr18-2925340-CGTCACTCGAGGAGTCATTCTCGGCCGGCCT-C. GRCh37 (hg19) VCF-style: chr18-2925338-CGTCACTCGAGGAGTCATTCTCGGCCGGCCT-C.
Other names: c.1794-2_1821del (NM_014646.2, NM_001375809.1).
Identifiers: ClinVar variation 4701316 (VCV004701316.1).